The following is an entry in ClinVar:

NM_004655.4(AXIN2):c.802G>T (p.Asp268Tyr)

Gene: AXIN2 (axin 2; minus strand). Cytogenetic location: 17q24.1.
Variant type: single nucleotide variant.
Coding change: c.802G>T on transcript NM_004655.4 (MANE Select); coding-DNA position 802, G replaced by T.
Protein change: p.Asp268Tyr; replaces aspartic acid 268 with tyrosine.
Molecular consequence: missense variant.
Genome position (GRCh38, 1-based): chr17:65,557,819, C>A on the plus strand (G>T on the coding strand, the complement: AXIN2 is on the minus strand). VCF-style: chr17-65557819-C-A. GRCh37 (hg19) VCF-style: chr17-63553937-C-A.
Other names: c.802G>T, p.Asp268Tyr (NM_001363813.1); short protein forms D268Y.
Identifiers: ClinVar variation 3814267 (VCV003814267.2).

ClinVar aggregate classification (germline): Uncertain significance. Review status: criteria provided, multiple submitters, no conflicts (2 of 4 stars). 2 submissions from 2 submitters: Uncertain significance (2). Last evaluated 2025-09-21.

Conditions:
Oligodontia-cancer predisposition syndrome. Also called: TOOTH AGENESIS-COLORECTAL CANCER SYNDROME. Identifiers: Orphanet 300576, MedGen C1837750, MONDO:0012075, OMIM 608615. Disease mechanism: loss of function.
Hereditary cancer-predisposing syndrome. Also called: Hereditary neoplastic syndrome; Neoplastic Syndromes, Hereditary; Tumor predisposition; Hereditary Cancer Syndrome. Identifiers: Orphanet 140162, MedGen C0027672, MeSH D009386, MONDO:0015356.

Submissions (2):

Labcorp Genetics (formerly Invitae), Labcorp
Classification: Uncertain significance for Oligodontia-cancer predisposition syndrome. Last evaluated: 2025-09-21. Review status: criteria provided, single submitter. Criteria: Invitae Variant Classification Sherloc (09022015). Collection method: clinical testing. Allele origin: germline.
Comment: This sequence change replaces aspartic acid, which is acidic and polar, with tyrosine, which is neutral and polar, at codon 268 of the AXIN2 protein (p.Asp268Tyr). This variant is not present in population databases (gnomAD no frequency). This variant has not been reported in the literature in individuals affected with AXIN2-related conditions. ClinVar contains an entry for this variant (Variation ID: 3814267). Invitae Evidence Modeling of protein sequence and biophysical properties (such as structural, functional, and spatial information, amino acid conservation, physicochemical variation, residue mobility, and thermodynamic stability) indicates that this missense variant is not expected to disrupt AXIN2 protein function with a negative predictive value of 80%. In summary, the available evidence is currently insufficient to determine the role of this variant in disease. Therefore, it has been classified as a Variant of Uncertain Significance.

Ambry Genetics
Classification: Uncertain significance for Hereditary cancer-predisposing syndrome. Last evaluated: 2025-01-03. Review status: criteria provided, single submitter. Criteria: Ambry Variant Classification Scheme 2023. Collection method: clinical testing. Allele origin: germline.
Comment: The p.D268Y variant (also known as c.802G>T), located in coding exon 1 of the AXIN2 gene, results from a G to T substitution at nucleotide position 802. The aspartic acid at codon 268 is replaced by tyrosine, an amino acid with highly dissimilar properties. This amino acid position is conserved. In addition, the in silico prediction for this alteration is inconclusive. Based on the available evidence, the clinical significance of this variant remains unclear.